The following is an entry in ClinVar:

NM_000094.4(COL7A1):c.8084G>T (p.Gly2695Val)

Gene: COL7A1 (collagen type VII alpha 1 chain; minus strand). Cytogenetic location: 3p21.31.
Variant type: single nucleotide variant.
Coding change: c.8084G>T on transcript NM_000094.4 (MANE Select); coding-DNA position 8084, G replaced by T.
Protein change: p.Gly2695Val; replaces glycine 2695 with valine.
Molecular consequence: missense variant.
Genome position (GRCh38, 1-based): chr3:48,567,153, C>A on the plus strand (G>T on the coding strand, the complement: COL7A1 is on the minus strand). VCF-style: chr3-48567153-C-A. GRCh37 (hg19) VCF-style: chr3-48604586-C-A.
Other names: short protein forms G2695V.
Identifiers: ClinVar variation 2723766 (VCV002723766.3), dbSNP rs2043644043, ClinGen allele CA352640565.

ClinVar aggregate classification (germline): Uncertain significance (1 of 4 stars; one submission).

Submission:

Labcorp Genetics (formerly Invitae), Labcorp
Classification: Uncertain significance. Last evaluated: 2023-05-23. Review status: criteria provided, single submitter. Criteria: Invitae Variant Classification Sherloc (09022015). Collection method: clinical testing. Allele origin: germline.
Comment: This sequence change replaces glycine, which is neutral and non-polar, with valine, which is neutral and non-polar, at codon 2695 of the COL7A1 protein (p.Gly2695Val). This variant is not present in population databases (gnomAD no frequency). This variant has not been reported in the literature in individuals affected with COL7A1-related conditions. Advanced modeling of protein sequence and biophysical properties (such as structural, functional, and spatial information, amino acid conservation, physicochemical variation, residue mobility, and thermodynamic stability) performed at Invitae indicates that this missense variant is expected to disrupt COL7A1 protein function. This variant disrupts the triple helix domain of COL7A1. Glycine residues within the Gly-Xaa-Yaa repeats of the triple helix domain are required for the structure and stability of fibrillar collagens (PMID: 7695699, 8218237, 19344236), and variants at these glycine residues in COL7A1 are more frequently observed in individuals with disease than in the general population (PMID: 22058051). However, the clinical significance of this observation remains uncertain since only a limited number of affected individuals have been described to date. In summary, the available evidence is currently insufficient to determine the role of this variant in disease. Therefore, it has been classified as a Variant of Uncertain Significance.

Literature cited by the submitters: PubMed 7695699; PubMed 8218237; PubMed 19344236; PubMed 22058051.